The following is an entry in ClinVar:

NM_000059.4(BRCA2):c.905C>A (p.Thr302Asn)

Gene: BRCA2 (BRCA2 DNA repair associated; plus strand). Cytogenetic location: 13q13.1.
Variant type: single nucleotide variant.
Coding change: c.905C>A on transcript NM_000059.4 (MANE Select); coding-DNA position 905, C replaced by A.
Protein change: p.Thr302Asn; replaces threonine 302 with asparagine.
Molecular consequence: missense variant.
Genome position (GRCh38, 1-based): chr13:32,332,383, C>A. VCF-style: chr13-32332383-C-A. GRCh37 (hg19) VCF-style: chr13-32906520-C-A.
Other names: p.T302N:ACC>AAC; short protein forms T302N.
Identifiers: ClinVar variation 96878 (VCV000096878.24), dbSNP rs80359158, ClinGen allele CA025950.

ClinVar aggregate classification (germline): Conflicting classifications of pathogenicity. Review status: criteria provided, conflicting classifications (1 of 4 stars). 7 submissions from 7 submitters: Uncertain significance (5); Likely benign (1). 1 of the submissions does not count toward it. Last evaluated 2025-09-05.

Conditions:
Hereditary cancer-predisposing syndrome. Also called: Hereditary Cancer Syndrome; Neoplastic Syndromes, Hereditary; Hereditary neoplastic syndrome; Tumor predisposition. Identifiers: Orphanet 140162, MedGen C0027672, MeSH D009386, MONDO:0015356.
Hereditary breast ovarian cancer syndrome. Also called: Breast and ovarian cancer; Hereditary breast and/or ovarian cancer syndrome; Hereditary breast and ovarian cancer; Hereditary breast and ovarian cancer syndrome; Hereditary breast and ovarian cancer syndrome (HBOC); BRCA1- and BRCA2-Associated Hereditary Breast and Ovarian Cancer. Identifiers: Orphanet 145, MedGen C0677776, MeSH D061325, MONDO:0003582. Disease mechanism: loss of function.
Breast-ovarian cancer, familial, susceptibility to, 2 (BROVCA2). Also called: BRCA2 Hereditary Breast and Ovarian Cancer. Identifiers: Orphanet 145, MedGen C2675520, MONDO:0012933, OMIM 612555. Disease mechanism: loss of function.

Allele frequency attached by ClinVar (database versions not stated): gnomAD 0.00001; TOPMed 0.00001.
gnomAD v4.1: 3 of 1,592,318 alleles (0.00019%); highest among the groups gnomAD compares: African/African-American, 0.0027%; no homozygotes.

Submissions (7):

Quest Diagnostics Nichols Institute San Juan Capistrano
Classification: Uncertain significance. Last evaluated: 2025-09-05. Review status: criteria provided, single submitter. Criteria: Quest Diagnostics criteria. Collection method: clinical testing. Allele origin: unknown.
Comment: The BRCA2 c.905C>A (p.Thr302Asn) variant has not been reported in individuals with BRCA2-related conditions in the published literature. However, this variant has been described to be located in a region of the BRCA2 gene that is tolerant to missense sequence changes (PMID: 31911673 (2020)). The frequency of this variant in the general population (Genome Aggregation Database) is uninformative in the assessment of its pathogenicity. Analysis of this variant using bioinformatics tools for the prediction of the effect of amino acid changes on protein structure and function yielded predictions that this variant is benign. Based on the available information, we are unable to determine the clinical significance of this variant.

Labcorp Genetics (formerly Invitae), Labcorp
Classification: Uncertain significance for Hereditary breast ovarian cancer syndrome. Last evaluated: 2024-12-30. Review status: criteria provided, single submitter. Criteria: Invitae Variant Classification Sherloc (09022015). Collection method: clinical testing. Allele origin: germline.
Comment: This sequence change replaces threonine, which is neutral and polar, with asparagine, which is neutral and polar, at codon 302 of the BRCA2 protein (p.Thr302Asn). This variant is present in population databases (rs80359158, gnomAD 0.007%). This variant has not been reported in the literature in individuals affected with BRCA2-related conditions. ClinVar contains an entry for this variant (Variation ID: 96878). Invitae Evidence Modeling of protein sequence and biophysical properties (such as structural, functional, and spatial information, amino acid conservation, physicochemical variation, residue mobility, and thermodynamic stability) indicates that this missense variant is not expected to disrupt BRCA2 protein function with a negative predictive value of 95%. In summary, the available evidence is currently insufficient to determine the role of this variant in disease. Therefore, it has been classified as a Variant of Uncertain Significance.

Ambry Genetics
Classification: Uncertain significance for Hereditary cancer-predisposing syndrome. Last evaluated: 2024-08-28. Review status: criteria provided, single submitter. Criteria: Ambry Variant Classification Scheme 2023. Collection method: clinical testing. Allele origin: germline.
Comment: The p.T302N variant (also known as c.905C>A), located in coding exon 9 of the BRCA2 gene, results from a C to A substitution at nucleotide position 905. The threonine at codon 302 is replaced by asparagine, an amino acid with similar properties. This amino acid position is not well conserved in available vertebrate species. In addition, this alteration is predicted to be tolerated by in silico analysis. Since supporting evidence is limited at this time, the clinical significance of this alteration remains unclear.

University of Washington Department of Laboratory Medicine, University of Washington
Classification: Likely benign for Hereditary cancer-predisposing syndrome. Last evaluated: 2023-03-23. Review status: criteria provided, single submitter. Criteria: Dines et al. (Genet Med. 2020). Collection method: curation. Allele origin: germline.
Comment: Missense variant in a coldspot region where missense variants are very unlikely to be pathogenic (PMID:31911673).

BRCA2 exon 10 coldspot. Reclassification based on statistical prior probability.

Color Diagnostics, LLC DBA Color Health
Classification: Uncertain significance for Hereditary cancer-predisposing syndrome. Last evaluated: 2019-03-27. Review status: criteria provided, single submitter. Criteria: ACMG Guidelines, 2015. Collection method: clinical testing. Allele origin: germline.

GeneDx
Classification: Uncertain significance. Last evaluated: 2015-12-02. Review status: criteria provided, single submitter. Criteria: GeneDx Variant Classification (06012015). Collection method: clinical testing. Allele origin: germline. Affected: yes.
Comment: This variant is denoted BRCA2 c.905C>A at the cDNA level, p.Thr302Asn (T302N) at the protein level, and results in the change of a Threonine to an Asparagine (ACC>AAC). This variant, also known as BRCA2 1133C>A by alternate nomenclature, has not, to our knowledge, been published in the literature as pathogenic or benign. BRCA2 Thr302Asn was not observed in approximately 6,500 individuals of European and African American ancestry in the NHLBI Exome Sequencing Project. Since Threonine and Asparagine share similar properties, this is considered a conservative amino acid substitution. BRCA2 Thr302Asn occurs at a position that is not conserved across species and is not located in a known functional domain. In silico analyses are inconsistent with regard to the effect this variant may have on protein structure and function. Based on the currently available information, we consider BRCA2 Thr302Asn to be a variant of uncertain significance.

Sharing Clinical Reports Project (SCRP)
Classification: Uncertain significance for Breast-ovarian cancer, familial 2. Last evaluated: 2007-01-04. Review status: no assertion criteria provided. Collection method: clinical testing. Allele origin: germline. Not counted in ClinVar's aggregate classification.

Literature cited by the submitters: PubMed 31911673 (cited by Quest Diagnostics Nichols Institute San Juan Capistrano).